The following is an entry in ClinVar:

ClinVar aggregate classification (germline): Pathogenic/Likely pathogenic. Review status: criteria provided, multiple submitters, no conflicts (2 of 4 stars). 2 submissions from 2 submitters: Pathogenic (1); Likely pathogenic (1). Last evaluated 2024-11-03.

Conditions:
Larsen-like syndrome, B3GAT3 type. Also called: MULTIPLE JOINT DISLOCATIONS, SHORT STATURE, AND CRANIOFACIAL DYSMORPHISM WITH OR WITHOUT CONGENITAL HEART DEFECTS; Multiple joint dislocations, short stature, craniofacial dysmorphism, with or without congenital heart defects. Identifiers: Orphanet 284139, MedGen CN034159, MONDO:0009511, OMIM 245600.

Allele frequency attached by ClinVar (database versions not stated): gnomAD exomes 0.00001; ExAC 0.00001.

Submissions (2):

Labcorp Genetics (formerly Invitae), Labcorp
Classification: Pathogenic for Larsen-like syndrome, B3GAT3 type. Last evaluated: 2024-11-03. Review status: criteria provided, single submitter. Criteria: Invitae Variant Classification Sherloc (09022015). Collection method: clinical testing. Allele origin: germline.
Comment: This sequence change creates a premature translational stop signal (p.Gln29*) in the B3GAT3 gene. It is expected to result in an absent or disrupted protein product. Loss-of-function variants in B3GAT3 are known to be pathogenic (PMID: 25893793, 27871226). The frequency data for this variant in the population databases is considered unreliable, as metrics indicate poor data quality at this position in the gnomAD database. This variant has not been reported in the literature in individuals affected with B3GAT3-related conditions. ClinVar contains an entry for this variant (Variation ID: 2683666). For these reasons, this variant has been classified as Pathogenic.

Mayo Clinic Laboratories, Mayo Clinic
Classification: Likely pathogenic. Last evaluated: 2023-03-31. Review status: criteria provided, single submitter. Criteria: ACMG Guidelines, 2015. Collection method: clinical testing. Allele origin: germline. Observed: 1 variant allele.
Comment: PM2_supporting, PVS1

Literature cited by the submitters: PubMed 25893793 (cited by Labcorp Genetics (formerly Invitae), Labcorp); PubMed 27871226 (cited by Labcorp Genetics (formerly Invitae), Labcorp); PubMed 29318063 (cited by Mayo Clinic Laboratories, Mayo Clinic); PubMed 35151321 (cited by Mayo Clinic Laboratories, Mayo Clinic).

NM_012200.4(B3GAT3):c.85C>T (p.Gln29Ter)

Gene: B3GAT3 (beta-1,3-glucuronyltransferase 3; minus strand). Cytogenetic location: 11q12.3.
Variant type: single nucleotide variant.
Coding change: c.85C>T on transcript NM_012200.4 (MANE Select); coding-DNA position 85, C replaced by T.
Protein change: p.Gln29Ter; replaces glutamine 29 with a stop codon.
Molecular consequence: nonsense. On other transcripts: non-coding transcript variant (1).
Genome position (GRCh38, 1-based): chr11:62,620,669, G>A on the plus strand (C>T on the coding strand, the complement: B3GAT3 is on the minus strand). VCF-style: chr11-62620669-G-A. GRCh37 (hg19) VCF-style: chr11-62388141-G-A.
Other names: p.Gln29*; c.64C>T, p.Gln22Ter (NM_001288721.2); c.85C>T, p.Gln29Ter (NM_001288722.2, NM_001288723.2); short protein forms Q22*, Q29*.
Identifiers: ClinVar variation 2683666 (VCV002683666.3), dbSNP rs754512227, ClinGen allele CA6050218.